The following is an entry in ClinVar:

NM_005477.3(HCN4):c.3110C>A (p.Thr1037Asn)

Gene: HCN4 (hyperpolarization activated cyclic nucleotide gated potassium channel 4; minus strand). Cytogenetic location: 15q24.1.
Variant type: single nucleotide variant.
Coding change: c.3110C>A on transcript NM_005477.3 (MANE Select); coding-DNA position 3110, C replaced by A.
Protein change: p.Thr1037Asn; replaces threonine 1037 with asparagine.
Molecular consequence: missense variant.
Genome position (GRCh38, 1-based): chr15:73,322,983, G>T on the plus strand (C>A on the coding strand, the complement: HCN4 is on the minus strand). VCF-style: chr15-73322983-G-T. GRCh37 (hg19) VCF-style: chr15-73615324-G-T.
Other names: short protein forms T1037N.
Identifiers: ClinVar variation 1727746 (VCV001727746.5), dbSNP rs2549068229, ClinGen allele CA393086195.

ClinVar aggregate classification (germline): Uncertain significance. Review status: criteria provided, multiple submitters, no conflicts (2 of 4 stars). 2 submissions from 2 submitters: Uncertain significance (2). Last evaluated 2023-04-07.

Conditions:
Brugada syndrome 8 (BRGDA8). Identifiers: Orphanet 130, MedGen C2751083, MONDO:0013148, OMIM 613123.
Cardiovascular phenotype. Identifiers: MedGen CN230736.

Allele frequency attached by ClinVar (database versions not stated): gnomAD exomes below 0.00001.
gnomAD v4.1: 2 of 1,447,932 alleles (0.00014%); highest among the groups gnomAD compares: Non-Finnish European, 0.00018%; no homozygotes.

Submissions (2):

Labcorp Genetics (formerly Invitae), Labcorp
Classification: Uncertain significance for Brugada syndrome 8. Last evaluated: 2023-04-07. Review status: criteria provided, single submitter. Criteria: Invitae Variant Classification Sherloc (09022015). Collection method: clinical testing. Allele origin: germline.
Comment: ClinVar contains an entry for this variant (Variation ID: 1727746). This variant has not been reported in the literature in individuals affected with HCN4-related conditions. This variant is not present in population databases (gnomAD no frequency). This sequence change replaces threonine, which is neutral and polar, with asparagine, which is neutral and polar, at codon 1037 of the HCN4 protein (p.Thr1037Asn). Advanced modeling of protein sequence and biophysical properties (such as structural, functional, and spatial information, amino acid conservation, physicochemical variation, residue mobility, and thermodynamic stability) performed at Invitae indicates that this missense variant is not expected to disrupt HCN4 protein function. In summary, the available evidence is currently insufficient to determine the role of this variant in disease. Therefore, it has been classified as a Variant of Uncertain Significance.

Ambry Genetics
Classification: Uncertain significance for Cardiovascular phenotype. Last evaluated: 2021-07-19. Review status: criteria provided, single submitter. Criteria: Ambry Variant Classification Scheme 2023. Collection method: clinical testing. Allele origin: germline.
Comment: The p.T1037N variant (also known as c.3110C>A), located in coding exon 8 of the HCN4 gene, results from a C to A substitution at nucleotide position 3110. The threonine at codon 1037 is replaced by asparagine, an amino acid with similar properties. This amino acid position is well conserved in available vertebrate species. In addition, the in silico prediction for this alteration is inconclusive. Since supporting evidence is limited at this time, the clinical significance of this alteration remains unclear.